The following is an entry in ClinVar:

ClinVar aggregate classification (germline): Uncertain significance (1 of 4 stars; one submission).

Submission:

GeneDx
Classification: Uncertain significance. Last evaluated: 2023-09-13. Review status: criteria provided, single submitter. Criteria: GeneDx Variant Classification Process June 2021. Collection method: clinical testing. Allele origin: germline. Affected: yes.
Comment: Not observed at significant frequency in large population cohorts (gnomAD); Missense variants in this gene are often considered pathogenic (HGMD); In silico analysis supports that this missense variant does not alter protein structure/function; Has not been previously published as pathogenic or benign to our knowledge; This variant is associated with the following publications: (PMID: 29493581)

NM_002834.5(PTPN11):c.488G>A (p.Gly163Asp)

Gene: PTPN11 (protein tyrosine phosphatase non-receptor type 11; plus strand). Cytogenetic location: 12q24.13.
Variant type: single nucleotide variant.
Coding change: c.488G>A on transcript NM_002834.5 (MANE Select); coding-DNA position 488, G replaced by A.
Protein change: p.Gly163Asp; replaces glycine 163 with aspartic acid.
Molecular consequence: missense variant.
Genome position (GRCh38, 1-based): chr12:112,453,350, G>A. VCF-style: chr12-112453350-G-A. GRCh37 (hg19) VCF-style: chr12-112891154-G-A.
Other names: c.488G>A, p.Gly163Asp (NM_080601.3, NM_001330437.2); c.485G>A, p.Gly162Asp (NM_001374625.1); short protein forms G162D, G163D.
Identifiers: ClinVar variation 2580757 (VCV002580757.1), dbSNP rs2540420425, ClinGen allele CA386781750.